The following is an entry in ClinVar:

NM_003998.4(NFKB1):c.1605dup (p.Leu536fs)

Gene: NFKB1 (nuclear factor kappa B subunit 1; plus strand). Cytogenetic location: 4q24.
Variant type: Duplication.
Coding change: c.1605dup on transcript NM_003998.4 (MANE Select); coding-DNA position 1605, one base duplicated (T; older notation c.1605dupT).
Protein change: p.Leu536fs; shifts the reading frame from leucine 536.
Molecular consequence: frameshift variant.
Genome position (GRCh38, 1-based): chr4:102,597,629, T duplicated. VCF-style (leftmost placement, unchanged base first): chr4-102597628-A-AT. GRCh37 (hg19) VCF-style: chr4-103518785-A-AT.
Other names: c.1602dup, p.Leu535fs (NM_001165412.2, NM_001319226.2, NM_001382627.1); c.1605dup, p.Leu536fs (NM_001382625.1, NM_001382626.1); c.1563dup, p.Leu522fs (NM_001382628.1); short protein forms L522fs, L536fs, L535fs.
Identifiers: ClinVar variation 2080049 (VCV002080049.4), dbSNP rs2476504310, ClinGen allele CA2580071267.
Genomic context (GRCh38, chr4:102,597,628, plus strand): 5'-ATGCCCTTTTCGACTACGCGGTGACAGGAGACGTGAAGATGCTGCTGGCCGTCCAGCGCC[A>AT]TCTCACTGCTGTGCAGGATGAGAATGGGGACAGGTAAGTCAGAACTTTTGCATGATAGGT-3'

ClinVar aggregate classification (germline): Pathogenic (1 of 4 stars; one submission).

Submission:

Labcorp Genetics (formerly Invitae), Labcorp
Classification: Pathogenic. Last evaluated: 2022-01-11. Review status: criteria provided, single submitter. Criteria: Invitae Variant Classification Sherloc (09022015). Collection method: clinical testing. Allele origin: germline.
Comment: This variant is not present in population databases (gnomAD no frequency). This variant has not been reported in the literature in individuals affected with NFKB1-related conditions. For these reasons, this variant has been classified as Pathogenic. This sequence change creates a premature translational stop signal (p.Leu536Serfs*7) in the NFKB1 gene. It is expected to result in an absent or disrupted protein product. Loss-of-function variants in NFKB1 are known to be pathogenic (PMID: 26279205, 29477724).

Literature cited by the submitters: PubMed 26279205; PubMed 29477724.